The following is an entry in ClinVar:

ClinVar aggregate classification (germline): Uncertain significance. Review status: criteria provided, multiple submitters, no conflicts (2 of 4 stars). 3 submissions from 3 submitters: Uncertain significance (3). Last evaluated 2025-09-02.

Conditions:
Inborn genetic diseases. Identifiers: MedGen C0950123, MeSH D030342.
Joubert syndrome. Also called: JOUBERT-BOLTSHAUSER SYNDROME; Familial aplasia of the vermis. Identifiers: Orphanet 475, MedGen C5979921, MONDO:0018772.
Meckel-Gruber syndrome. Also called: DYSENCEPHALIA SPLANCHNOCYSTICA; GRUBER SYNDROME; Dysencephalia splachnocystica. Identifiers: Orphanet 564, MedGen C0265215, MONDO:0018921.

Allele frequency attached by ClinVar (database versions not stated): gnomAD exomes 0.00001; TOPMed 0.00001; ExAC 0.00004.
gnomAD v4.1: 6 of 1,554,444 alleles (0.00039%); highest among the groups gnomAD compares: Non-Finnish European, 0.00052%; no homozygotes.

Submissions (3):

Labcorp Genetics (formerly Invitae), Labcorp
Classification: Uncertain significance for Joubert syndrome; Meckel-Gruber syndrome. Last evaluated: 2025-09-02. Review status: criteria provided, single submitter. Criteria: Invitae Variant Classification Sherloc (09022015). Collection method: clinical testing. Allele origin: germline.
Comment: This sequence change replaces aspartic acid, which is acidic and polar, with histidine, which is basic and polar, at codon 19 of the CC2D2A protein (p.Asp19His). This variant is present in population databases (rs755345164, gnomAD 0.003%). This variant has not been reported in the literature in individuals affected with CC2D2A-related conditions. ClinVar contains an entry for this variant (Variation ID: 1464531). Invitae Evidence Modeling of protein sequence and biophysical properties (such as structural, functional, and spatial information, amino acid conservation, physicochemical variation, residue mobility, and thermodynamic stability) indicates that this missense variant is not expected to disrupt CC2D2A protein function with a negative predictive value of 95%. In summary, the available evidence is currently insufficient to determine the role of this variant in disease. Therefore, it has been classified as a Variant of Uncertain Significance.

Women's Health and Genetics/Laboratory Corporation of America, LabCorp
Classification: Uncertain significance. Last evaluated: 2024-03-18. Review status: criteria provided, single submitter. Criteria: LabCorp Variant Classification Summary - May 2015. Collection method: clinical testing. Allele origin: germline.
Comment: Variant summary: CC2D2A c.55G>C (p.Asp19His) results in a non-conservative amino acid change in the encoded protein sequence. Three of four in-silico tools predict a benign effect of the variant on protein function. The variant allele was found at a frequency of 1.2e-05 in 162824 control chromosomes. The available data on variant occurrences in the general population are insufficient to allow any conclusion about variant significance. To our knowledge, no occurrence of c.55G>C in individuals affected with CC2D2A-Related Disorders and no experimental evidence demonstrating its impact on protein function have been reported. ClinVar contains an entry for this variant (Variation ID: 1464531). Based on the evidence outlined above, the variant was classified as uncertain significance.

Ambry Genetics
Classification: Uncertain significance for Inborn genetic diseases. Last evaluated: 2022-07-20. Review status: criteria provided, single submitter. Criteria: Ambry Variant Classification Scheme 2023. Collection method: clinical testing. Allele origin: germline.

NM_001378615.1(CC2D2A):c.55G>C (p.Asp19His)

Genes: CC2D2A (coiled-coil and C2 domain containing 2A; plus strand), FBXL5 (F-box and leucine rich repeat protein 5; minus strand). Cytogenetic location: 4p15.32.
Variant type: single nucleotide variant.
Coding change: c.55G>C on transcript NM_001378615.1 (MANE Select); coding-DNA position 55, G replaced by C.
Protein change: p.Asp19His; replaces aspartic acid 19 with histidine.
Molecular consequence: missense variant.
Genome position (GRCh38, 1-based): chr4:15,478,738, G>C. VCF-style: chr4-15478738-G-C. GRCh37 (hg19) VCF-style: chr4-15480362-G-C.
Other names: c.55G>C, p.Asp19His (NM_001080522.2, NM_001164720.3, NM_020785.2); short protein forms D19H.
Identifiers: ClinVar variation 1464531 (VCV001464531.9), dbSNP rs755345164, ClinGen allele CA2863247.